The following is an entry in ClinVar:

NM_000501.4(ELN):c.1435G>A (p.Val479Met)

Genes: ELN-AS1 (ELN antisense RNA 1; minus strand), ELN (elastin; plus strand). Cytogenetic location: 7q11.23.
Variant type: single nucleotide variant.
Coding change: c.1435G>A on transcript NM_000501.4 (MANE Select); coding-DNA position 1435, G replaced by A.
Protein change: p.Val479Met; replaces valine 479 with methionine.
Molecular consequence: missense variant.
Genome position (GRCh38, 1-based): chr7:74,059,906, G>A. VCF-style: chr7-74059906-G-A. GRCh37 (hg19) VCF-style: chr7-73474236-G-A.
Other names: c.1348G>A, p.Val450Met (NM_001081752.3); c.1393G>A, p.Val465Met (NM_001081753.3); c.1450G>A, p.Val484Met (NM_001081754.3); c.1378G>A, p.Val460Met (NM_001081755.3); c.1435G>A, p.Val479Met (NM_001278912.2); c.1192G>A, p.Val398Met (NM_001278913.2); c.1363G>A, p.Val455Met (NM_001278914.2); c.1453G>A, p.Val485Met (NM_001278915.2); and 4 more; short protein forms V469M, V485M, V398M, V465M, V508M, V390M, V450M, V484M.
Identifiers: ClinVar variation 1447530 (VCV001447530.8), dbSNP rs925528680, ClinGen allele CA4293064.

ClinVar aggregate classification (germline): Uncertain significance (1 of 4 stars; one submission).

Conditions:
Supravalvar aortic stenosis (SVAS). Also called: Supravalvar aortic stenosis, Eisenberg type. Identifiers: Orphanet 3193, MedGen C0003499, MONDO:0008504, OMIM 185500, HP:0004381.

Allele frequency attached by ClinVar (database versions not stated): TOPMed below 0.00001; gnomAD 0.00001; gnomAD exomes 0.00002 and 0.00003.
gnomAD v4.1: 27 of 1,452,240 alleles (0.0019%); highest among the groups gnomAD compares: Middle Eastern, 0.017%; no homozygotes.

Submission:

Labcorp Genetics (formerly Invitae), Labcorp
Classification: Uncertain significance for Supravalvar aortic stenosis. Last evaluated: 2025-09-26. Review status: criteria provided, single submitter. Criteria: Invitae Variant Classification Sherloc (09022015). Collection method: clinical testing. Allele origin: germline.
Comment: This sequence change replaces valine, which is neutral and non-polar, with methionine, which is neutral and non-polar, at codon 508 of the ELN protein (p.Val508Met). This variant is present in population databases (no rsID available, gnomAD 0.01%). This variant has not been reported in the literature in individuals affected with ELN-related conditions. ClinVar contains an entry for this variant (Variation ID: 1447530). Invitae Evidence Modeling of protein sequence and biophysical properties (such as structural, functional, and spatial information, amino acid conservation, physicochemical variation, residue mobility, and thermodynamic stability) indicates that this missense variant is not expected to disrupt ELN protein function with a negative predictive value of 80%. In summary, the available evidence is currently insufficient to determine the role of this variant in disease. Therefore, it has been classified as a Variant of Uncertain Significance.